The following is an entry in ClinVar:

ClinVar aggregate classification (germline): Pathogenic. Review status: criteria provided, multiple submitters, no conflicts (2 of 4 stars). 3 submissions from 3 submitters: Pathogenic (3). Last evaluated 2025-10-19.

Conditions:
Neurodevelopmental abnormality. Identifiers: MedGen C4022737, HP:0012759.

Submissions (3):

Labcorp Genetics (formerly Invitae), Labcorp
Classification: Pathogenic. Last evaluated: 2025-10-19. Review status: criteria provided, single submitter. Criteria: Invitae Variant Classification Sherloc (09022015). Collection method: clinical testing. Allele origin: germline.
Comment: This sequence change creates a premature translational stop signal (p.Ala470Glyfs*134) in the ARID1B gene. It is expected to result in an absent or disrupted protein product. Loss-of-function variants in ARID1B are known to be pathogenic (PMID: 25674384, 30349098). The frequency data for this variant in the population databases is considered unreliable, as metrics indicate insufficient coverage at this position in the gnomAD database. This premature translational stop signal has been observed in individual(s) with clinical features of ARID1B-related conditions (PMID: 30349098). ClinVar contains an entry for this variant (Variation ID: 2418944). For these reasons, this variant has been classified as Pathogenic.

Clinical Genetics Laboratory, Skane University Hospital Lund
Classification: Pathogenic for Neurodevelopmental abnormality. Last evaluated: 2024-09-27. Review status: criteria provided, single submitter. Criteria: ACMG Guidelines, 2015. Collection method: clinical testing. Allele origin: de novo. Inheritance: Autosomal dominant inheritance. Affected: yes.
Comment: ACMG criteria used: PVS1, PS2, PM2

GeneDx
Classification: Pathogenic. Last evaluated: 2023-03-01. Review status: criteria provided, single submitter. Criteria: GeneDx Variant Classification Process June 2021. Collection method: clinical testing. Allele origin: germline. Affected: yes.
Comment: Frameshift variant predicted to result in protein truncation or nonsense mediated decay in a gene for which loss of function is a known mechanism of disease; Not observed at significant frequency in large population cohorts (gnomAD); This variant is associated with the following publications: (PMID: 30349098)

Literature cited by the submitters: PubMed 25674384 (cited by Labcorp Genetics (formerly Invitae), Labcorp); PubMed 30349098 (cited by Labcorp Genetics (formerly Invitae), Labcorp).

NM_001374828.1(ARID1B):c.1409_1449del (p.Ala470fs)

Gene: ARID1B (AT-rich interaction domain 1B; plus strand). Cytogenetic location: 6q25.3.
Variant type: Deletion.
Coding change: c.1409_1449del on transcript NM_001374828.1 (MANE Select); coding-DNA positions 1409 to 1449, 41 bases deleted.
Protein change: p.Ala470fs; shifts the reading frame from alanine 470.
Molecular consequence: frameshift variant.
Genome position (GRCh38, 1-based): chr6:156,779,089-156,779,129, 41 bases deleted; deleting any 41 consecutive bases within chr6:156,779,079-156,779,129 gives the same sequence; the c. name uses the placement nearest the transcript's 3' end. GRCh37 (hg19): chr6:157,100,223-157,100,263.
Other names: c.1160_1200del (NM_020732.3); c.1409_1449del, p.Ala470fs (NM_001371656.1, NM_001374820.1, NM_017519.3); short protein forms A470fs.
Identifiers: ClinVar variation 2418944 (VCV002418944.7), dbSNP rs2546839479, ClinGen allele CA2573334955.